The following is an entry in ClinVar:

NM_003070.5(SMARCA2):c.1224G>A (p.Thr408=)

Gene: SMARCA2 (SWI/SNF related BAF chromatin remodeling complex subunit ATPase 2; plus strand). Cytogenetic location: 9p24.3.
Variant type: single nucleotide variant.
Coding change: c.1224G>A on transcript NM_003070.5 (MANE Select); coding-DNA position 1224, G replaced by A.
Protein change: p.Thr408=; no amino-acid change (threonine 408 retained).
Molecular consequence: synonymous variant.
Genome position (GRCh38, 1-based): chr9:2,056,722, G>A. VCF-style: chr9-2056722-G-A. GRCh37 (hg19) VCF-style: chr9-2056722-G-A.
Other names: c.1224G>A, p.Thr408= (NM_001289396.2, NM_001289397.2, NM_139045.4).
Identifiers: ClinVar variation 1753893 (VCV001753893.4), dbSNP rs761727722, ClinGen allele CA4963114.

ClinVar aggregate classification (germline): Likely benign. Review status: criteria provided, single submitter (1 of 4 stars). 2 submissions from 2 submitters: Likely benign (1). 1 of the submissions does not count toward it. Last evaluated 2018-10-23.

Conditions:
SMARCA2-related disorder. Also called: SMARCA2-related condition.
Inborn genetic diseases. Identifiers: MedGen C0950123, MeSH D030342.

Allele frequency attached by ClinVar (database versions not stated): gnomAD 0.00003; TOPMed 0.00003; gnomAD exomes 0.00005; ExAC 0.00012.
gnomAD v4.1: 82 of 1,614,042 alleles (0.0051%); highest among the groups gnomAD compares: South Asian, 0.077%; no homozygotes.

Submissions (2):

Ambry Genetics
Classification: Likely benign for Inborn genetic diseases. Last evaluated: 2018-10-23. Review status: criteria provided, single submitter. Criteria: Ambry Variant Classification Scheme 2023. Collection method: clinical testing. Allele origin: germline.

PreventionGenetics, part of Exact Sciences
Classification: Likely benign for SMARCA2-related condition. Last evaluated: 2019-09-05. Review status: no assertion criteria provided. Collection method: clinical testing. Allele origin: germline. Not counted in ClinVar's aggregate classification.
Comment: This variant is classified as likely benign based on ACMG/AMP sequence variant interpretation guidelines (Richards et al. 2015 PMID: 25741868, with internal and published modifications).